The following is an entry in ClinVar:

ClinVar aggregate classification (germline): Uncertain significance (1 of 4 stars; one submission).

Conditions:
Glaucoma 1, open angle, E. Identifiers: MedGen C1842026, MONDO:0007665.
Primary open angle glaucoma (POAG). Also called: OPTN-related open angle glaucoma. Identifiers: MedGen C0339573, MONDO:0100553, OMIM 137760.
Amyotrophic lateral sclerosis type 12 (ALS12). Also called: AMYOTROPHIC LATERAL SCLEROSIS 12 WITH OR WITHOUT FRONTOTEMPORAL DEMENTIA. Identifiers: Orphanet 803, MedGen C3150692, MONDO:0013264, OMIM 613435.

Submission:

Labcorp Genetics (formerly Invitae), Labcorp
Classification: Uncertain significance for Primary open angle glaucoma; Glaucoma 1, open angle, E; Amyotrophic lateral sclerosis type 12. Last evaluated: 2024-11-03. Review status: criteria provided, single submitter. Criteria: Invitae Variant Classification Sherloc (09022015). Collection method: clinical testing. Allele origin: germline.
Comment: This sequence change replaces glutamic acid, which is acidic and polar, with glutamine, which is neutral and polar, at codon 300 of the OPTN protein (p.Glu300Gln). This variant is not present in population databases (gnomAD no frequency). This variant has not been reported in the literature in individuals affected with OPTN-related conditions. Invitae Evidence Modeling of protein sequence and biophysical properties (such as structural, functional, and spatial information, amino acid conservation, physicochemical variation, residue mobility, and thermodynamic stability) indicates that this missense variant is not expected to disrupt OPTN protein function with a negative predictive value of 80%. In summary, the available evidence is currently insufficient to determine the role of this variant in disease. Therefore, it has been classified as a Variant of Uncertain Significance.

NM_001008212.2(OPTN):c.898G>C (p.Glu300Gln)

Gene: OPTN (optineurin; plus strand). Cytogenetic location: 10p13.
Variant type: single nucleotide variant.
Coding change: c.898G>C on transcript NM_001008212.2 (MANE Select); coding-DNA position 898, G replaced by C.
Protein change: p.Glu300Gln; replaces glutamic acid 300 with glutamine.
Molecular consequence: missense variant.
Genome position (GRCh38, 1-based): chr10:13,124,010, G>C. VCF-style: chr10-13124010-G-C. GRCh37 (hg19) VCF-style: chr10-13166010-G-C.
Other names: c.898G>C, p.Glu300Gln (NM_001008211.1, NM_001008213.1, NM_021980.4); short protein forms E300Q.
Identifiers: ClinVar variation 3751076 (VCV003751076.2).